The following is an entry in ClinVar:

NM_004304.5(ALK):c.4661C>T (p.Ser1554Leu)

Gene: ALK (ALK receptor tyrosine kinase; minus strand). Cytogenetic location: 2p23.2.
Variant type: single nucleotide variant.
Coding change: c.4661C>T on transcript NM_004304.5 (MANE Select); coding-DNA position 4661, C replaced by T.
Protein change: p.Ser1554Leu; replaces serine 1554 with leucine.
Molecular consequence: missense variant.
Genome position (GRCh38, 1-based): chr2:29,193,426, G>A on the plus strand (C>T on the coding strand, the complement: ALK is on the minus strand). VCF-style: chr2-29193426-G-A. GRCh37 (hg19) VCF-style: chr2-29416292-G-A.
Other names: c.1457C>T, p.Ser486Leu (NM_001353765.2); short protein forms S1554L, S486L.
Identifiers: ClinVar variation 3659218 (VCV003659218.2).

ClinVar aggregate classification (germline): Uncertain significance (1 of 4 stars; one submission).

Conditions:
Neuroblastoma, susceptibility to, 3. Also called: ALK-Related Neuroblastic Tumor Susceptibility. Identifiers: Orphanet 635, MedGen C2751681, MONDO:0013083, OMIM 613014.

Submission:

Labcorp Genetics (formerly Invitae), Labcorp
Classification: Uncertain significance for Neuroblastoma, susceptibility to, 3. Last evaluated: 2024-07-11. Review status: criteria provided, single submitter. Criteria: Invitae Variant Classification Sherloc (09022015). Collection method: clinical testing. Allele origin: germline.
Comment: This sequence change replaces serine, which is neutral and polar, with leucine, which is neutral and non-polar, at codon 1554 of the ALK protein (p.Ser1554Leu). This variant is not present in population databases (gnomAD no frequency). This variant has not been reported in the literature in individuals affected with ALK-related conditions. An algorithm developed to predict the effect of missense changes on protein structure and function (PolyPhen-2) suggests that this variant is likely to be tolerated. In summary, the available evidence is currently insufficient to determine the role of this variant in disease. Therefore, it has been classified as a Variant of Uncertain Significance.